The following is an entry in ClinVar:

NM_004369.4(COL6A3):c.1186G>A (p.Asp396Asn)

Gene: COL6A3 (collagen type VI alpha 3 chain; minus strand). Cytogenetic location: 2q37.3.
Variant type: single nucleotide variant.
Coding change: c.1186G>A on transcript NM_004369.4 (MANE Select); coding-DNA position 1186, G replaced by A.
Protein change: p.Asp396Asn; replaces aspartic acid 396 with asparagine.
Molecular consequence: missense variant. On other transcripts: intron variant (2).
Genome position (GRCh38, 1-based): chr2:237,387,708, C>T on the plus strand (G>A on the coding strand, the complement: COL6A3 is on the minus strand). VCF-style: chr2-237387708-C-T. GRCh37 (hg19) VCF-style: chr2-238296351-C-T.
Other names: c.568G>A, p.Asp190Asn (NM_057165.5, NM_057167.4); c.92-6209G>A (NM_057166.5, NM_057164.5); short protein forms D190N, D396N.
Identifiers: ClinVar variation 1364076 (VCV001364076.8), dbSNP rs372071064, ClinGen allele CA2189689.

ClinVar aggregate classification (germline): Uncertain significance (1 of 4 stars; one submission).

Conditions:
Bethlem myopathy 1A. Also called: MYOPATHY, BENIGN CONGENITAL, WITH CONTRACTURES; Bethlem Muscular Dystrophy; Bethlem myopathy 1. Identifiers: Orphanet 610, MedGen CN029274, MONDO:0024530, OMIM 158810.

Allele frequency attached by ClinVar (database versions not stated): gnomAD exomes below 0.00001 and 0.00001; TOPMed 0.00002; ESP Exome Variant Server 0.00008.
gnomAD v4.1: 3 of 1,614,034 alleles (0.00019%); highest among the groups gnomAD compares: Non-Finnish European, 0.00025%; no homozygotes.

Submission:

Labcorp Genetics (formerly Invitae), Labcorp
Classification: Uncertain significance for Bethlem myopathy 1A. Last evaluated: 2021-08-02. Review status: criteria provided, single submitter. Criteria: Invitae Variant Classification Sherloc (09022015). Collection method: clinical testing. Allele origin: germline.
Comment: In summary, the available evidence is currently insufficient to determine the role of this variant in disease. Therefore, it has been classified as a Variant of Uncertain Significance. Advanced modeling of protein sequence and biophysical properties (such as structural, functional, and spatial information, amino acid conservation, physicochemical variation, residue mobility, and thermodynamic stability) performed at Invitae indicates that this missense variant is not expected to disrupt COL6A3 protein function. This variant has not been reported in the literature in individuals with COL6A3-related conditions. The frequency data for this variant in the population databases is considered unreliable, as metrics indicate poor data quality at this position in the ExAC database. This sequence change replaces aspartic acid with asparagine at codon 396 of the COL6A3 protein (p.Asp396Asn). The aspartic acid residue is weakly conserved and there is a small physicochemical difference between aspartic acid and asparagine.